The following is an entry in ClinVar:

ClinVar aggregate classification (germline): Likely pathogenic. Review status: reviewed by expert panel (3 of 4 stars). 9 submissions from 9 submitters: Likely pathogenic (1). 8 of the submissions do not count toward it. Last evaluated 2021-07-25.

Conditions:
Phenylketonuria (PKU). Also called: Phenylketonurias; FOLLING DISEASE; Phenylketonuria (PKU); OLIGOPHRENIA PHENYLPYRUVICA. Identifiers: Orphanet 716, MedGen C0031485, MONDO:0009861, OMIM 261600. Disease mechanism: loss of function.

Allele frequency attached by ClinVar (database versions not stated): gnomAD exomes below 0.00001 and 0.00003; TOPMed 0.00001; ExAC 0.00002; ESP Exome Variant Server 0.00008.
gnomAD v4.1: 39 of 1,613,824 alleles (0.0024%); highest among the groups gnomAD compares: Non-Finnish European, 0.0032%; no homozygotes.

Submissions (10):

ClinGen PAH Variant Curation Expert Panel
Classification: Likely pathogenic for Phenylketonuria. Last evaluated: 2021-07-25. Review status: reviewed by expert panel. Criteria: ClinGen PAH ACMG Specifications v1. Collection method: curation. Allele origin: germline. Inheritance: Autosomal recessive inheritance.
Comment: The c.1074A>T (p.Leu358Phe) variant in PAH meets criteria to be classified as likely pathogenic. PAH-specific ACMG/AMP criteria applied: PM2: Variant is present at low frequency in gnomAD (0.0000) and ExAC (0.00002). Absent from 1000 Genomes. PM3: Found to co-occur with F331S in one patient with mild HPA, but no additional studies to demonstrate phase of variants (PMID: 23764561). Found to co-occur with other non-PKU HPA mutation I306V, phase was not confirmed (PMID: 23357515). Found to co-occur in two patients with L348V and R408W with mild and classic PKU, respectively. (PMID: 24350308) PP3: Predicted to be damaging (SIFT), probably damaging (PolyPhen2), Disease causing (MutationTaster). PP4: In both studies, patients were recruited for their abnormal Phelevels defined as HPA <600umol or 120-600umol. There was no additional testing done to rule out other similar analyte disorders. PS3_Not Met: Functional studies in E. Coli model used and relative specific activity of L358F is 52+-0.7%, which is above our 50% threshold to apply this line of evidence.

Natera, Inc.
Classification: Pathogenic for Phenylketonuria. Last evaluated: 2026-01-20. Review status: criteria provided, single submitter. Criteria: Natera Variant Classification Schema (03/2026). Collection method: clinical testing. Allele origin: germline. Not counted in ClinVar's aggregate classification.
Comment: The c.1074A>T variant in PAH is a missense variant predicted to cause substitution of leucine to phenylalanine at amino acid 358. This variant is rare in the general population with a frequency below the threshold expected for the associated phenotype(s). This variant has been observed in one or more individuals affected with the associated recessive disease, as either homozygous or compound heterozygous with a second variant (PMID: 35176108, 31623983, 23764561, 32668217). Computational prediction algorithms indicate this variant is likely to affect gene or protein function. Given the available evidence, this variant is classified as Pathogenic.

Labcorp Genetics (formerly Invitae), Labcorp
Classification: Pathogenic for Phenylketonuria. Last evaluated: 2026-01-08. Review status: criteria provided, single submitter. Criteria: Invitae Variant Classification Sherloc (09022015). Collection method: clinical testing. Allele origin: germline. Not counted in ClinVar's aggregate classification.
Comment: This sequence change replaces leucine, which is neutral and non-polar, with phenylalanine, which is neutral and non-polar, at codon 358 of the PAH protein (p.Leu358Phe). This variant is present in population databases (rs376480977, gnomAD 0.002%). This missense change has been observed in individual(s) with hyperphenylalaninemia (PMID: 23357515, 23764561, 24350308; internal data). ClinVar contains an entry for this variant (Variation ID: 556817). Invitae Evidence Modeling of protein sequence and biophysical properties (such as structural, functional, and spatial information, amino acid conservation, physicochemical variation, residue mobility, and thermodynamic stability) indicates that this missense variant is not expected to disrupt PAH protein function with a negative predictive value of 80%. Experimental studies have shown that this missense change affects PAH function (PMID: 28653649). For these reasons, this variant has been classified as Pathogenic.

GeneDx
Classification: Pathogenic. Last evaluated: 2025-06-25. Review status: criteria provided, single submitter. Criteria: GeneDx Variant Classification Process June 2021. Collection method: clinical testing. Allele origin: germline. Affected: yes. Not counted in ClinVar's aggregate classification.
Comment: Published functional studies found this variant is associated with significant residual enzyme activity (PMID: 28653649); Not observed at significant frequency in large population cohorts (gnomAD); In silico analysis supports that this missense variant has a deleterious effect on protein structure/function; This variant is associated with the following publications: (PMID: 23764561, 24350308, 32668217, 23357515, 35176108, 28653649)

CeGaT Center for Human Genetics Tuebingen
Classification: Likely pathogenic. Last evaluated: 2025-05-01. Review status: criteria provided, single submitter. Criteria: CeGaT Center For Human Genetics Tuebingen Variant Classification Criteria Version 2. Collection method: clinical testing. Allele origin: germline. Affected: yes. Observed: 1 variant allele. Not counted in ClinVar's aggregate classification.
Comment: PAH: PM3:Strong, PM2, PM5, PS3:Supporting

Women's Health and Genetics/Laboratory Corporation of America, LabCorp
Classification: Likely pathogenic for Phenylketonuria. Last evaluated: 2024-03-25. Review status: criteria provided, single submitter. Criteria: LabCorp Variant Classification Summary - May 2015. Collection method: clinical testing. Allele origin: germline. Not counted in ClinVar's aggregate classification.
Comment: Variant summary: PAH c.1074A>T (p.Leu358Phe) results in a non-conservative amino acid change located in the Aromatic amino acid hydroxylase, C-terminal domain (IPR019774) of the encoded protein sequence. Five of five in-silico tools predict a damaging effect of the variant on protein function. The variant allele was found at a frequency of 4e-06 in 251142 control chromosomes (gnomAD). c.1074A>T has been reported in the literature in individuals affected with hyperphenylalaninemia (examples: Reblova_2013, Polak_2013, Bik-Multanowski_2022). These data indicate that the variant is likely to be associated with disease. The following publications have been ascertained in the context of this evaluation (PMID: 35176108, 28653649, 23764561, 23357515). ClinVar contains an entry for this variant (Variation ID: 556817). Based on the evidence outlined above, the variant was classified as likely pathogenic.

Baylor Genetics
Classification: Pathogenic for Phenylketonuria. Last evaluated: 2024-02-05. Review status: criteria provided, single submitter. Criteria: ACMG Guidelines, 2015. Collection method: clinical testing. Allele origin: unknown. Not counted in ClinVar's aggregate classification.

Fulgent Genetics
Classification: Pathogenic for Phenylketonuria. Last evaluated: 2022-04-07. Review status: criteria provided, single submitter. Criteria: ACMG Guidelines, 2015. Collection method: clinical testing. Allele origin: unknown. Not counted in ClinVar's aggregate classification.

Counsyl
Classification: Uncertain significance for Phenylketonuria. Last evaluated: 2018-02-22. Review status: no assertion criteria provided. Collection method: clinical testing. Allele origin: unknown. Not counted in ClinVar's aggregate classification.

Dr. Peter K. Rogan Lab, Western University
No classification provided (evidence only). Condition: Hepatocellular carcinoma. Review status: no classification provided. Collection method: in vitro. Allele origin: not applicable. Functional consequence: retained intron. Not counted in ClinVar's aggregate classification.

Literature cited by the submitters: PubMed 35176108 (cited by Natera, Inc. and Women's Health and Genetics/Laboratory Corporation of America, LabCorp); PubMed 31623983 (cited by Natera, Inc.); PubMed 23764561 (cited by 4 submitters); PubMed 32668217 (cited by Natera, Inc.); PubMed 23357515 (cited by 3 submitters); PubMed 24350308 (cited by Labcorp Genetics (formerly Invitae), Labcorp and Counsyl); PubMed 28653649 (cited by 3 submitters).

NM_000277.3(PAH):c.1074A>T (p.Leu358Phe)

Gene: PAH (phenylalanine hydroxylase; minus strand). Cytogenetic location: 12q23.2.
Variant type: single nucleotide variant.
Coding change: c.1074A>T on transcript NM_000277.3 (MANE Select); coding-DNA position 1074, A replaced by T.
Protein change: p.Leu358Phe; replaces leucine 358 with phenylalanine.
Molecular consequence: missense variant.
Genome position (GRCh38, 1-based): chr12:102,843,771, T>A on the plus strand (A>T on the coding strand, the complement: PAH is on the minus strand). VCF-style: chr12-102843771-T-A. GRCh37 (hg19) VCF-style: chr12-103237549-T-A.
Other names: c.1074A>T, p.Leu358Phe (NM_001354304.2); c.1074A>T (NM_000277.2); short protein forms L358F.
Identifiers: ClinVar variation 556817 (VCV000556817.27), dbSNP rs376480977, ClinGen allele CA6748747.
Genomic context (GRCh38, chr12:102,843,771, plus strand): 5'-AGTGTAATTTTGGATGGCTGTCTTCTCCAGCTCCAGGGGGAGAAGCTTTGGCTTCTCTGA[T>A]AAGCAGTACTGTAGGCCCCAAGTGAAAAGTTATTATCACTGTTAAATCAGGATCAGTATT-3'
Protein context (NP_000268.1, residues 348-368): LSSFGELQYC[Leu358Phe]SEKPKLLPLE